The following is an entry in ClinVar:

NM_001318852.2(MAPK8IP3):c.401G>A (p.Arg134His)

Gene: MAPK8IP3 (mitogen-activated protein kinase 8 interacting protein 3; plus strand). Cytogenetic location: 16p13.3.
Variant type: single nucleotide variant.
Coding change: c.401G>A on transcript NM_001318852.2 (MANE Select); coding-DNA position 401, G replaced by A.
Protein change: p.Arg134His; replaces arginine 134 with histidine.
Molecular consequence: missense variant.
Genome position (GRCh38, 1-based): chr16:1,724,639, G>A. VCF-style: chr16-1724639-G-A. GRCh37 (hg19) VCF-style: chr16-1774640-G-A.
Other names: c.401G>A, p.Arg134His (NM_001040439.2, NM_015133.5, NM_033392.3); short protein forms R134H.
Identifiers: ClinVar variation 2585023 (VCV002585023.1), dbSNP rs376978493, ClinGen allele CA7816273.

ClinVar aggregate classification (germline): Uncertain significance (1 of 4 stars; one submission).

Conditions:
Neurodevelopmental disorder with or without variable brain abnormalities; NEDBA. Also called: NEURODEVELOPMENTAL DISORDER WITH OR WITHOUT VARIABLE BRAIN ABNORMALITIES. Identifiers: MedGen C5193102, MONDO:0032755, OMIM 618443.

Allele frequency attached by ClinVar (database versions not stated): ExAC 0.00001; gnomAD 0.00001.
gnomAD v4.1: 5 of 1,613,438 alleles (0.00031%); highest among the groups gnomAD compares: East Asian, 0.0022%; no homozygotes.

Submission:

Neuberg Centre For Genomic Medicine, NCGM
Classification: Uncertain significance for Neurodevelopmental disorder with or without variable brain abnormalities; NEDBA. Review status: criteria provided, single submitter. Criteria: ACMG Guidelines, 2015. Collection method: clinical testing. Allele origin: germline. Inheritance: Autosomal dominant inheritance. Affected: yes.
Comment: The missense variant c.401G>A (p.Arg134His) in MAPK8IP3 gene has not been reported previously as a pathogenic variant nor as a benign variant, to our knowledge. The p.Arg134His variant is reported with allele frequency 0.0008% in gnomAD exomes and novel in 1000 Genomes. The amino acid Arg at position 134 is changed to a His changing protein sequence and it might alter its composition and physico-chemical properties. The amino acid change p.Arg134His in MAPK8IP3 is predicted as conserved by GERP++ and PhyloP across 100 vertebrates. For these reasons, this variant has been classified as Uncertain Significance .